The following is an entry in ClinVar:

NM_005535.3(IL12RB1):c.230T>C (p.Leu77Pro)

Gene: IL12RB1 (interleukin 12 receptor subunit beta 1; minus strand). Cytogenetic location: 19p13.11.
Variant type: single nucleotide variant.
Coding change: c.230T>C on transcript NM_005535.3 (MANE Select); coding-DNA position 230, T replaced by C.
Protein change: p.Leu77Pro; replaces leucine 77 with proline.
Molecular consequence: missense variant.
Genome position (GRCh38, 1-based): chr19:18,082,159, A>G on the plus strand (T>C on the coding strand, the complement: IL12RB1 is on the minus strand). VCF-style: chr19-18082159-A-G. GRCh37 (hg19) VCF-style: chr19-18192969-A-G.
Other names: c.230T>C, p.Leu77Pro (NM_001290023.2, NM_001440424.1, NM_001440425.1 and 1 more transcripts); c.350T>C, p.Leu117Pro (NM_001290024.2, NM_001440426.1, NM_001440427.1); short protein forms L117P, L77P.
Identifiers: ClinVar variation 4846819 (VCV004846819.1).
Genomic context (GRCh38, chr19:18,082,159, plus strand): 5'-GCAAGAGTGGGATGGTGGGTGAGGGTTTGGGAATGGTAGAGGGGTCCTCACCAACACCGC[A>G]GGAAGTGGCTGACCCCAGCTGTGGGACCCTCATACTGCCAGGAGCACTCGTAACGATCAC-3'
Protein context (NP_005526.1, residues 67-87): EGPTAGVSHF[Leu77Pro]RCCLSSGRCC

ClinVar aggregate classification (germline): Uncertain significance (1 of 4 stars; one submission).

Conditions:
Mendelian susceptibility to mycobacterial diseases due to complete IL12RB1 deficiency. Also called: IL12RB1 DEFICIENCY; Immunodeficiency 30. Identifiers: Orphanet 319552, MedGen C4013949, MONDO:0013955, OMIM 614891.

Submission:

Laboratorio de Genetica e Diagnostico Molecular, Hospital Israelita Albert Einstein
Classification: Uncertain significance for Mendelian susceptibility to mycobacterial diseases due to complete IL12RB1 deficiency. Last evaluated: 2025-12-31. Review status: criteria provided, single submitter. Criteria: ACMG Guidelines, 2015. Collection method: clinical testing. Allele origin: germline. Affected: yes.
Comment: ACMG classification criteria: PM2 supporting, PM3 supporting, PP3 supporting